The following is an entry in ClinVar:

NM_001378609.3(OTOGL):c.2390T>C (p.Ile797Thr)

Gene: OTOGL (otogelin like; plus strand). Cytogenetic location: 12q21.31.
Variant type: single nucleotide variant.
Coding change: c.2390T>C on transcript NM_001378609.3 (MANE Select); coding-DNA position 2390, T replaced by C.
Protein change: p.Ile797Thr; replaces isoleucine 797 with threonine.
Molecular consequence: missense variant.
Genome position (GRCh38, 1-based): chr12:80,266,616, T>C. VCF-style: chr12-80266616-T-C. GRCh37 (hg19) VCF-style: chr12-80660396-T-C.
Other names: c.2390T>C, p.Ile797Thr (NM_001368062.3, NM_001378610.3, NM_173591.7); short protein forms I797T.
Identifiers: ClinVar variation 4076742 (VCV004076742.1).

ClinVar aggregate classification (germline): Uncertain significance (1 of 4 stars; one submission).

gnomAD v4.1: 6 of 1,612,556 alleles (0.00037%); highest among the groups gnomAD compares: Non-Finnish European, 0.00025%; no homozygotes.

Submission:

GeneDx
Classification: Uncertain significance. Last evaluated: 2025-02-24. Review status: criteria provided, single submitter. Criteria: GeneDx Variant Classification Process June 2021. Collection method: clinical testing. Allele origin: germline. Affected: yes.
Comment: In silico analysis indicates that this missense variant does not alter protein structure/function; Has not been previously published as pathogenic or benign to our knowledge